The following is an entry in ClinVar:

NM_175875.5(SIX5):c.1564G>A (p.Gly522Arg)

Gene: SIX5 (SIX homeobox 5; minus strand). Cytogenetic location: 19q13.32.
Variant type: single nucleotide variant.
Coding change: c.1564G>A on transcript NM_175875.5 (MANE Select); coding-DNA position 1564, G replaced by A.
Protein change: p.Gly522Arg; replaces glycine 522 with arginine.
Molecular consequence: missense variant.
Genome position (GRCh38, 1-based): chr19:45,766,395, C>T on the plus strand (G>A on the coding strand, the complement: SIX5 is on the minus strand). VCF-style: chr19-45766395-C-T. GRCh37 (hg19) VCF-style: chr19-46269653-C-T.
Other names: short protein forms G522R.
Identifiers: ClinVar variation 3583979 (VCV003583979.2).
Genomic context (GRCh38, chr19:45,766,395, plus strand): 5'-GGGAGATGGGGGTACCTGGGGCAGTGGCCGAAGGCAGCTGCAGGGCAGTCACGCCCACCC[C>T]GGAGTTGATGAGGTGCACATTGGCAGGGCCTGCTGCAGCTGCCACCTTCACAGGGCTGCC-3'
Protein context (NP_787071.3, residues 512-532): GPANVHLINS[Gly522Arg]VGVTALQLPS

ClinVar aggregate classification (germline): Uncertain significance. Review status: criteria provided, multiple submitters, no conflicts (2 of 4 stars). 2 submissions from 2 submitters: Uncertain significance (2). Last evaluated 2025-05-18.

Conditions:
Branchiootorenal syndrome 2 (BOR2). Identifiers: Orphanet 107, MedGen C1970479, MONDO:0012575, OMIM 610896.

gnomAD v4.1: 14 of 1,588,734 alleles (0.00088%); highest among the groups gnomAD compares: Admixed American, 0.0088%; no homozygotes.

Submissions (2):

Labcorp Genetics (formerly Invitae), Labcorp
Classification: Uncertain significance. Last evaluated: 2025-05-18. Review status: criteria provided, single submitter. Criteria: Invitae Variant Classification Sherloc (09022015). Collection method: clinical testing. Allele origin: germline.
Comment: This sequence change replaces glycine, which is neutral and non-polar, with arginine, which is basic and polar, at codon 522 of the SIX5 protein (p.Gly522Arg). The frequency data for this variant in the population databases is considered unreliable, as metrics indicate poor data quality at this position in the gnomAD database. This variant has not been reported in the literature in individuals affected with SIX5-related conditions. ClinVar contains an entry for this variant (Variation ID: 3583979). Invitae Evidence Modeling of protein sequence and biophysical properties (such as structural, functional, and spatial information, amino acid conservation, physicochemical variation, residue mobility, and thermodynamic stability) indicates that this missense variant is not expected to disrupt SIX5 protein function with a negative predictive value of 80%. In summary, the available evidence is currently insufficient to determine the role of this variant in disease. Therefore, it has been classified as a Variant of Uncertain Significance.

Fulgent Genetics
Classification: Uncertain significance for Branchiootorenal syndrome 2. Last evaluated: 2024-05-07. Review status: criteria provided, single submitter. Criteria: ACMG Guidelines, 2015. Collection method: clinical testing. Allele origin: germline.